The following is an entry in ClinVar:

NM_001110556.2(FLNA):c.6422A>G (p.Lys2141Arg)

Gene: FLNA (filamin A; minus strand). Cytogenetic location: Xq28.
Variant type: single nucleotide variant.
Coding change: c.6422A>G on transcript NM_001110556.2 (MANE Select); coding-DNA position 6422, A replaced by G.
Protein change: p.Lys2141Arg; replaces lysine 2141 with arginine.
Molecular consequence: missense variant.
Genome position (GRCh38, 1-based): chrX:154,352,633, T>C on the plus strand (A>G on the coding strand, the complement: FLNA is on the minus strand). VCF-style: chrX-154352633-T-C. GRCh37 (hg19) VCF-style: chrX-153581001-T-C.
Other names: c.6398A>G, p.Lys2133Arg (NM_001456.4); short protein forms K2133R, K2141R.
Identifiers: ClinVar variation 2941052 (VCV002941052.3), dbSNP rs2522721615, ClinGen allele CA415192401.
Genomic context (GRCh38, chrX:154,352,633, plus strand): 5'-TCACAATGACTACCAACGTTGGCCACTGAAGGAGCCCGACGCCTGCGGGTGATGCTCTCT[T>C]TCACCCGGCCCTCGCCTGTCACCTTCACAGAGAAGGGGCTGCCTGCAGGAAGAAAGCACG-3'
Protein context (NP_001104026.1, residues 2131-2151): SVKVTGEGRV[Lys2141Arg]ESITRRRRAP

ClinVar aggregate classification (germline): Uncertain significance (1 of 4 stars; one submission).

Conditions:
Oto-palato-digital syndrome, type II (OPD2). Also called: FACIOPALATOOSSEOUS SYNDROME; OPD II SYNDROME; Otopalatodigital Syndrome, Type II; Otopalatodigital Syndrome Type 2 (FLNA-OPD2). Identifiers: Orphanet 669, Orphanet 90652, MedGen C1844696, MONDO:0010571, OMIM 304120.
Heterotopia, periventricular, X-linked dominant (PVNH1). Also called: PERIVENTRICULAR NODULAR HETEROTOPIA 1; X-linked periventricular heterotopia; PERIVENTRICULAR NODULAR HETEROTOPIA 4; HETEROTOPIA, PERIVENTRICULAR, 1. Identifiers: Orphanet 2149, Orphanet 82004, MedGen C1848213, MONDO:0010233, OMIM 300049.
Frontometaphyseal dysplasia (FMD1). Identifiers: Orphanet 1826, MedGen C0265293, MONDO:0015942.
Melnick-Needles syndrome (MNS). Also called: MELNICK-NEEDLES OSTEODYSPLASTY; OSTEODYSPLASTY OF MELNICK AND NEEDLES; Melnick-Needles Syndrome (FLNA-MNS). Identifiers: Orphanet 2484, MedGen C0025237, MONDO:0010650, OMIM 309350.

Allele frequency attached by ClinVar (database versions not stated): gnomAD exomes below 0.00001.
gnomAD v4.1: 1 of 1,211,428 alleles (0.000083%); highest among the groups gnomAD compares: African/African-American, 0.0017%; no homozygotes.

Submission:

Labcorp Genetics (formerly Invitae), Labcorp
Classification: Uncertain significance for Oto-palato-digital syndrome, type II; Heterotopia, periventricular, X-linked dominant; Frontometaphyseal dysplasia; Melnick-Needles syndrome. Last evaluated: 2022-11-03. Review status: criteria provided, single submitter. Criteria: Invitae Variant Classification Sherloc (09022015). Collection method: clinical testing. Allele origin: germline.
Comment: In summary, the available evidence is currently insufficient to determine the role of this variant in disease. Therefore, it has been classified as a Variant of Uncertain Significance. Advanced modeling of protein sequence and biophysical properties (such as structural, functional, and spatial information, amino acid conservation, physicochemical variation, residue mobility, and thermodynamic stability) performed at Invitae indicates that this missense variant is not expected to disrupt FLNA protein function. This variant has not been reported in the literature in individuals affected with FLNA-related conditions. This variant is not present in population databases (gnomAD no frequency). This sequence change replaces lysine, which is basic and polar, with arginine, which is basic and polar, at codon 2133 of the FLNA protein (p.Lys2133Arg).